The following is an entry in ClinVar:

NM_012281.3(KCND2):c.1604A>G (p.Lys535Arg)

Gene: KCND2 (potassium voltage-gated channel subfamily D member 2; plus strand). Cytogenetic location: 7q31.31.
Variant type: single nucleotide variant.
Coding change: c.1604A>G on transcript NM_012281.3 (MANE Select); coding-DNA position 1604, A replaced by G.
Protein change: p.Lys535Arg; replaces lysine 535 with arginine.
Molecular consequence: missense variant.
Genome position (GRCh38, 1-based): chr7:120,745,916, A>G. VCF-style: chr7-120745916-A-G. GRCh37 (hg19) VCF-style: chr7-120385970-A-G.
Other names: short protein forms K535R.
Identifiers: ClinVar variation 2013350 (VCV002013350.4), dbSNP rs2485216862, ClinGen allele CA369135634.

ClinVar aggregate classification (germline): Uncertain significance (1 of 4 stars; one submission).

Conditions:
Early Myoclonic Encephalopathy. Identifiers: MedGen C0270855.

Submission:

Labcorp Genetics (formerly Invitae), Labcorp
Classification: Uncertain significance for Early Myoclonic Encephalopathy. Last evaluated: 2024-04-17. Review status: criteria provided, single submitter. Criteria: Invitae Variant Classification Sherloc (09022015). Collection method: clinical testing. Allele origin: germline.
Comment: This sequence change replaces lysine, which is basic and polar, with arginine, which is basic and polar, at codon 535 of the KCND2 protein (p.Lys535Arg). This variant is not present in population databases (gnomAD no frequency). This variant has not been reported in the literature in individuals affected with KCND2-related conditions. ClinVar contains an entry for this variant (Variation ID: 2013350). Advanced modeling of protein sequence and biophysical properties (such as structural, functional, and spatial information, amino acid conservation, physicochemical variation, residue mobility, and thermodynamic stability) performed at Invitae indicates that this missense variant is not expected to disrupt KCND2 protein function with a negative predictive value of 80%. In summary, the available evidence is currently insufficient to determine the role of this variant in disease. Therefore, it has been classified as a Variant of Uncertain Significance.